The following is an entry in ClinVar:

ClinVar aggregate classification (germline): Uncertain significance (1 of 4 stars; one submission).

Submission:

Labcorp Genetics (formerly Invitae), Labcorp
Classification: Uncertain significance. Last evaluated: 2022-03-12. Review status: criteria provided, single submitter. Criteria: Invitae Variant Classification Sherloc (09022015). Collection method: clinical testing. Allele origin: germline.
Comment: In summary, the available evidence is currently insufficient to determine the role of this variant in disease. Therefore, it has been classified as a Variant of Uncertain Significance. Algorithms developed to predict the effect of missense changes on protein structure and function are either unavailable or do not agree on the potential impact of this missense change (SIFT: "Deleterious"; PolyPhen-2: "Probably Damaging"; Align-GVGD: "Class C0"). This variant has not been reported in the literature in individuals affected with RNF31-related conditions. This variant is not present in population databases (gnomAD no frequency). This sequence change replaces proline, which is neutral and non-polar, with arginine, which is basic and polar, at codon 707 of the RNF31 protein (p.Pro707Arg).

NM_017999.5(RNF31):c.2120C>G (p.Pro707Arg)

Gene: RNF31 (ring finger protein 31; plus strand). Cytogenetic location: 14q12.
Variant type: single nucleotide variant.
Coding change: c.2120C>G on transcript NM_017999.5 (MANE Select); coding-DNA position 2120, C replaced by G.
Protein change: p.Pro707Arg; replaces proline 707 with arginine.
Molecular consequence: missense variant.
Genome position (GRCh38, 1-based): chr14:24,151,982, C>G. VCF-style: chr14-24151982-C-G. GRCh37 (hg19) VCF-style: chr14-24621191-C-G.
Other names: c.1667C>G, p.Pro556Arg (NM_001310332.2); short protein forms P707R, P556R.
Identifiers: ClinVar variation 2109739 (VCV002109739.4), dbSNP rs2502005907, ClinGen allele CA389299271.